The following is an entry in ClinVar:

NM_001458.5(FLNC):c.731A>G (p.Asn244Ser)

Gene: FLNC (filamin C; plus strand). Cytogenetic location: 7q32.1.
Variant type: single nucleotide variant.
Coding change: c.731A>G on transcript NM_001458.5 (MANE Select); coding-DNA position 731, A replaced by G.
Protein change: p.Asn244Ser; replaces asparagine 244 with serine.
Molecular consequence: missense variant.
Genome position (GRCh38, 1-based): chr7:128,837,429, A>G. VCF-style: chr7-128837429-A-G. GRCh37 (hg19) VCF-style: chr7-128477483-A-G.
Other names: c.731A>G, p.Asn244Ser (NM_001127487.2); short protein forms N244S.
Identifiers: ClinVar variation 571631 (VCV000571631.12), dbSNP rs773579752, ClinGen allele CA4474117.

ClinVar aggregate classification (germline): Uncertain significance. Review status: criteria provided, multiple submitters, no conflicts (2 of 4 stars). 3 submissions from 3 submitters: Uncertain significance (3). Last evaluated 2025-06-08.

Conditions:
Myofibrillar myopathy 5. Also called: Filaminopathy (type); FILAMINOPATHY, AUTOSOMAL DOMINANT. Identifiers: Orphanet 171445, MedGen C1836050, MONDO:0012289, OMIM 609524.
Hypertrophic cardiomyopathy 26. Also called: Cardiomyopathy, familial hypertrophic, 26. Identifiers: Orphanet 75249, MedGen C4310749, MONDO:0014883, OMIM 617047.
Distal myopathy with posterior leg and anterior hand involvement. Also called: WILLIAMS DISTAL MYOPATHY. Identifiers: Orphanet 63273, MedGen C3279722, MONDO:0013550, OMIM 614065.
Cardiovascular phenotype. Identifiers: MedGen CN230736.

Allele frequency attached by ClinVar (database versions not stated): gnomAD 0.00001; gnomAD exomes 0.00001; ExAC 0.00002; TOPMed 0.00002.
gnomAD v4.1: 18 of 1,613,994 alleles (0.0011%); highest among the groups gnomAD compares: Admixed American, 0.0017%; no homozygotes.

Submissions (3):

Labcorp Genetics (formerly Invitae), Labcorp
Classification: Uncertain significance for Distal myopathy with posterior leg and anterior hand involvement; Myofibrillar myopathy 5; Hypertrophic cardiomyopathy 26. Last evaluated: 2025-06-08. Review status: criteria provided, single submitter. Criteria: Invitae Variant Classification Sherloc (09022015). Collection method: clinical testing. Allele origin: germline.
Comment: This sequence change replaces asparagine, which is neutral and polar, with serine, which is neutral and polar, at codon 244 of the FLNC protein (p.Asn244Ser). This variant is present in population databases (rs773579752, gnomAD 0.003%). This variant has not been reported in the literature in individuals affected with FLNC-related conditions. ClinVar contains an entry for this variant (Variation ID: 571631). Invitae Evidence Modeling of protein sequence and biophysical properties (such as structural, functional, and spatial information, amino acid conservation, physicochemical variation, residue mobility, and thermodynamic stability) has been performed for this missense variant. However, the output from this modeling did not meet the statistical confidence thresholds required to predict the impact of this variant on FLNC protein function. In summary, the available evidence is currently insufficient to determine the role of this variant in disease. Therefore, it has been classified as a Variant of Uncertain Significance.

Ambry Genetics
Classification: Uncertain significance for Cardiovascular phenotype. Last evaluated: 2023-03-16. Review status: criteria provided, single submitter. Criteria: Ambry Variant Classification Scheme 2023. Collection method: clinical testing. Allele origin: germline.
Comment: The p.N244S variant (also known as c.731A>G), located in coding exon 4 of the FLNC gene, results from an A to G substitution at nucleotide position 731. The asparagine at codon 244 is replaced by serine, an amino acid with highly similar properties. This amino acid position is conserved. In addition, this alteration is predicted to be tolerated by in silico analysis. Since supporting evidence is limited at this time, the clinical significance of this alteration remains unclear.

Blueprint Genetics
Classification: Uncertain significance. Last evaluated: 2023-02-03. Review status: criteria provided, single submitter. Criteria: ACMG Guidelines, 2015. Collection method: clinical testing. Allele origin: germline.